The following is an entry in ClinVar:

NM_001918.5(DBT):c.1210-9_1210-8insT

Gene: DBT (dihydrolipoamide branched chain transacylase E2; minus strand). Cytogenetic location: 1p21.2.
Variant type: Insertion.
Coding change: c.1210-9_1210-8insT on transcript NM_001918.5 (MANE Select); 9 bases into the intron before coding-DNA position 1210 through 8 bases into the intron before coding-DNA position 1210, T inserted.
Molecular consequence: intron variant.
Genome position: GRCh38 VCF-style: chr1-100206309-T-TA. GRCh37 (hg19) VCF-style: chr1-100671865-T-TA.
Other names: p.?; c.1210-9_1210-8insT (NM_001918.4).
Identifiers: ClinVar variation 457146 (VCV000457146.14), dbSNP rs201755806, ClinGen allele CA969537.

ClinVar aggregate classification (germline): Benign. Review status: criteria provided, multiple submitters, no conflicts (2 of 4 stars). 4 submissions from 4 submitters: Benign (2). 2 of the submissions do not count toward it. Last evaluated 2026-02-04.

Conditions:
Maple syrup urine disease (MSUD). Identifiers: Orphanet 511, MedGen C0024776, MeSH D008375, MONDO:0009563. Disease mechanism: loss of function.

Allele frequency attached by ClinVar (database versions not stated): gnomAD 0.00020 and 0.00021.

Submissions (4):

Labcorp Genetics (formerly Invitae), Labcorp
Classification: Benign for Maple syrup urine disease. Last evaluated: 2026-02-04. Review status: criteria provided, single submitter. Criteria: Invitae Variant Classification Sherloc (09022015). Collection method: clinical testing. Allele origin: germline.

Mayo Clinic Laboratories, Mayo Clinic
Classification: Benign. Last evaluated: 2024-12-09. Review status: criteria provided, single submitter. Criteria: ACMG Guidelines, 2015. Collection method: clinical testing. Allele origin: germline. Observed: 1 variant allele.
Comment: BA1, BP4, BP7

Clinical Genetics, Academic Medical Center
Classification: Benign. Review status: no assertion criteria provided. Collection method: clinical testing. Allele origin: germline. Affected: yes. Study: VKGL Data-share Consensus. Not counted in ClinVar's aggregate classification.

Genome Diagnostics Laboratory, University Medical Center Utrecht
Classification: Benign. Review status: no assertion criteria provided. Collection method: clinical testing. Allele origin: germline. Affected: yes. Study: VKGL Data-share Consensus. Not counted in ClinVar's aggregate classification.